The following is an entry in ClinVar:

ClinVar aggregate classification (germline): Benign/Likely benign. Review status: criteria provided, multiple submitters, no conflicts (2 of 4 stars). 4 submissions from 4 submitters: Benign (1); Likely benign (3). Last evaluated 2026-01-19.

Conditions:
Peutz-Jeghers syndrome (PJS). Also called: POLYPOSIS, HAMARTOMATOUS INTESTINAL; POLYPS-AND-SPOTS SYNDROME; Peutz-Jeghers polyposis; Periorificial lentiginosis syndrome. Identifiers: Orphanet 2869, MedGen C0031269, MeSH D010580, MONDO:0008280, OMIM 175200.
Familial pancreatic carcinoma. Identifiers: Orphanet 1333, MedGen C2931038, MONDO:0015278, OMIM 260350.
Hereditary cancer-predisposing syndrome. Also called: Tumor predisposition; Neoplastic Syndromes, Hereditary; Hereditary Cancer Syndrome; Hereditary neoplastic syndrome. Identifiers: Orphanet 140162, MedGen C0027672, MeSH D009386, MONDO:0015356.

Allele frequency attached by ClinVar (database versions not stated): gnomAD exomes below 0.00001.
gnomAD v4.1: 1 of 1,613,584 alleles (0.000062%); highest among the groups gnomAD compares: Non-Finnish European, 0.000085%; no homozygotes.

Submissions (4):

Labcorp Genetics (formerly Invitae), Labcorp
Classification: Likely benign for Peutz-Jeghers syndrome. Last evaluated: 2026-01-19. Review status: criteria provided, single submitter. Criteria: Invitae Variant Classification Sherloc (09022015). Collection method: clinical testing. Allele origin: germline.

Myriad Genetics, Inc.
Classification: Benign for Peutz-Jeghers syndrome. Last evaluated: 2025-03-25. Review status: criteria provided, single submitter. Criteria: Myriad Autosomal Dominant, Autosomal Recessive and X-Linked Classification Criteria (2023). Collection method: clinical testing. Allele origin: unknown.
Comment: This variant is considered benign. This variant is a silent/synonymous amino acid change and it is not expected to impact splicing.

Department of Pathology and Laboratory Medicine, Sinai Health System
Classification: Likely benign for Peutz-Jeghers syndrome; Familial pancreatic carcinoma. Last evaluated: 2022-01-11. Review status: criteria provided, single submitter. Criteria: ACMG Guidelines, 2015. Collection method: clinical testing. Allele origin: germline. Affected: yes.

Color Diagnostics, LLC DBA Color Health
Classification: Likely benign for Hereditary cancer-predisposing syndrome. Last evaluated: 2016-03-23. Review status: criteria provided, single submitter. Criteria: ACMG Guidelines, 2015. Collection method: clinical testing. Allele origin: germline.

NM_000455.5(STK11):c.354C>T (p.Tyr118=)

Gene: STK11 (serine/threonine kinase 11; plus strand). Cytogenetic location: 19p13.3.
Variant type: single nucleotide variant.
Coding change: c.354C>T on transcript NM_000455.5 (MANE Select); coding-DNA position 354, C replaced by T.
Protein change: p.Tyr118=; no amino-acid change (tyrosine 118 retained).
Molecular consequence: synonymous variant.
Genome position (GRCh38, 1-based): chr19:1,218,480, C>T. VCF-style: chr19-1218480-C-T. GRCh37 (hg19) VCF-style: chr19-1218479-C-T.
Identifiers: ClinVar variation 492525 (VCV000492525.10), dbSNP rs1555737439, ClinGen allele CA089338.
Genomic context (GRCh38, chr19:1,218,480, plus strand): 5'-AATTCAACTACTGAGGAGGTTACGGCACAAAAATGTCATCCAGCTGGTGGATGTGTTATA[C>T]AACGAAGAGAAGCAGAAAATATATCCTTTCCGGTGTTGGGACCGCGGGGCCTCCGTGGGA-3'
Protein context (NP_000446.1, residues 108-128): KNVIQLVDVL[Tyr118=]NEEKQKMYMV